The following is an entry in ClinVar:

ClinVar aggregate classification (germline): Uncertain significance. Review status: criteria provided, multiple submitters, no conflicts (2 of 4 stars). 2 submissions from 2 submitters: Uncertain significance (2). Last evaluated 2026-05-11.

Conditions:
FDXR-related disorder. Also called: FDXR-related condition; FDXR-related disorders.
Inborn genetic diseases. Identifiers: MedGen C0950123, MeSH D030342.

gnomAD v4.1: 42 of 1,579,366 alleles (0.0027%); highest among the groups gnomAD compares: East Asian, 0.0068%; no homozygotes.

Submissions (2):

PreventionGenetics, part of Exact Sciences
Classification: Uncertain significance for FDXR-related condition. Last evaluated: 2026-05-11. Review status: criteria provided, single submitter. Criteria: ACMG Guidelines, 2015. Collection method: clinical testing. Allele origin: germline.
Comment: The FDXR c.830C>T variant is predicted to result in the amino acid substitution p.Thr277Met. To our knowledge, this variant has not been reported in the literature. This variant is reported in 0.0059% of alleles in individuals of East Asian descent in gnomAD. At this time, the clinical significance of this variant is uncertain due to the absence of conclusive functional and genetic evidence.

Ambry Genetics
Classification: Uncertain significance for Inborn genetic diseases. Last evaluated: 2024-06-10. Review status: criteria provided, single submitter. Criteria: Ambry Variant Classification Scheme 2023. Collection method: clinical testing. Allele origin: germline.

NM_024417.5(FDXR):c.830C>T (p.Thr277Met)

Gene: FDXR (ferredoxin reductase; minus strand). Cytogenetic location: 17q25.1.
Variant type: single nucleotide variant.
Coding change: c.830C>T on transcript NM_024417.5 (MANE Select); coding-DNA position 830, C replaced by T.
Protein change: p.Thr277Met; replaces threonine 277 with methionine.
Molecular consequence: missense variant. On other transcripts: non-coding transcript variant (1).
Genome position (GRCh38, 1-based): chr17:74,864,320, G>A on the plus strand (C>T on the coding strand, the complement: FDXR is on the minus strand). VCF-style: chr17-74864320-G-A. GRCh37 (hg19) VCF-style: chr17-72860442-G-A.
Other names: c.959C>T, p.Thr320Met (NM_001258012.4); c.923C>T, p.Thr308Met (NM_001258013.4); c.806C>T, p.Thr269Met (NM_001258014.4); c.710C>T, p.Thr237Met (NM_001258015.3); c.674C>T, p.Thr225Met (NM_001258016.3); c.848C>T, p.Thr283Met (NM_004110.6); c.830C>T (NM_024417.4); short protein forms T225M, T269M, T277M, T320M, T308M, T237M, T283M.
Identifiers: ClinVar variation 3278460 (VCV003278460.2).